The following is an entry in ClinVar:

ClinVar aggregate classification (germline): Uncertain significance. Review status: criteria provided, multiple submitters, no conflicts (2 of 4 stars). 2 submissions from 2 submitters: Uncertain significance (2). Last evaluated 2024-07-05.

Conditions:
Inborn genetic diseases. Identifiers: MedGen C0950123, MeSH D030342.

Allele frequency attached by ClinVar (database versions not stated): ExAC 0.00002; gnomAD 0.00002; TOPMed 0.00003; gnomAD exomes 0.00004.
gnomAD v4.1: 43 of 1,613,602 alleles (0.0027%); highest among the groups gnomAD compares: East Asian, 0.022%; no homozygotes.

Submissions (2):

Ambry Genetics
Classification: Uncertain significance for Inborn genetic diseases. Last evaluated: 2024-07-05. Review status: criteria provided, single submitter. Criteria: Ambry Variant Classification Scheme 2023. Collection method: clinical testing. Allele origin: germline.

Labcorp Genetics (formerly Invitae), Labcorp
Classification: Uncertain significance. Last evaluated: 2023-07-17. Review status: criteria provided, single submitter. Criteria: Invitae Variant Classification Sherloc (09022015). Collection method: clinical testing. Allele origin: germline.
Comment: This sequence change replaces threonine, which is neutral and polar, with methionine, which is neutral and non-polar, at codon 1111 of the LTBP2 protein (p.Thr1111Met). The frequency data for this variant in the population databases is considered unreliable, as metrics indicate poor data quality at this position in the gnomAD database. This variant has not been reported in the literature in individuals affected with LTBP2-related conditions. ClinVar contains an entry for this variant (Variation ID: 1463527). An algorithm developed to predict the effect of missense changes on protein structure and function (PolyPhen-2) suggests that this variant is likely to be disruptive. In summary, the available evidence is currently insufficient to determine the role of this variant in disease. Therefore, it has been classified as a Variant of Uncertain Significance.

NM_000428.3(LTBP2):c.3332C>T (p.Thr1111Met)

Gene: LTBP2 (latent transforming growth factor beta binding protein 2; minus strand). Cytogenetic location: 14q24.3.
Variant type: single nucleotide variant.
Coding change: c.3332C>T on transcript NM_000428.3 (MANE Select); coding-DNA position 3332, C replaced by T.
Protein change: p.Thr1111Met; replaces threonine 1111 with methionine.
Molecular consequence: missense variant.
Genome position (GRCh38, 1-based): chr14:74,509,309, G>A on the plus strand (C>T on the coding strand, the complement: LTBP2 is on the minus strand). VCF-style: chr14-74509309-G-A. GRCh37 (hg19) VCF-style: chr14-74976012-G-A.
Other names: c.3332C>T (NM_000428.2); short protein forms T1111M.
Identifiers: ClinVar variation 1463527 (VCV001463527.5), dbSNP rs752483332, ClinGen allele CA7269210.